The following is an entry in ClinVar:

ClinVar aggregate classification (germline): Uncertain significance (1 of 4 stars; one submission).

Submission:

Labcorp Genetics (formerly Invitae), Labcorp
Classification: Uncertain significance. Last evaluated: 2025-09-02. Review status: criteria provided, single submitter. Criteria: Invitae Variant Classification Sherloc (09022015). Collection method: clinical testing. Allele origin: germline.
Comment: This sequence change replaces alanine, which is neutral and non-polar, with threonine, which is neutral and polar, at codon 278 of the MYH7B protein (p.Ala278Thr). This variant is not present in population databases (gnomAD no frequency). This variant has not been reported in the literature in individuals affected with MYH7B-related conditions. ClinVar contains an entry for this variant (Variation ID: 1351502). Invitae Evidence Modeling of protein sequence and biophysical properties (such as structural, functional, and spatial information, amino acid conservation, physicochemical variation, residue mobility, and thermodynamic stability) indicates that this missense variant is expected to disrupt MYH7B protein function with a positive predictive value of 80%. In summary, the available evidence is currently insufficient to determine the role of this variant in disease. Therefore, it has been classified as a Variant of Uncertain Significance.

NM_020884.7(MYH7B):c.706G>A (p.Ala236Thr)

Gene: MYH7B (myosin heavy chain 7B; plus strand). Cytogenetic location: 20q11.22.
Variant type: single nucleotide variant.
Coding change: c.706G>A on transcript NM_020884.7 (MANE Select); coding-DNA position 706, G replaced by A.
Protein change: p.Ala236Thr; replaces alanine 236 with threonine.
Molecular consequence: missense variant.
Genome position (GRCh38, 1-based): chr20:34,984,911, G>A. VCF-style: chr20-34984911-G-A. GRCh37 (hg19) VCF-style: chr20-33572714-G-A.
Other names: short protein forms A236T.
Identifiers: ClinVar variation 1351502 (VCV001351502.8), dbSNP rs2147188036, ClinGen allele CA408698604.
Genomic context (GRCh38, chr20:34,984,911, plus strand): 5'-CAGGGCACCCTTGAGGATCAAATCATCGAGGCCAACCCTGCCATGGAGGCCTTTGGCAAC[G>A]CCAAGACCCTGAGGAATGATAACTCCTCCCGCTTTGTGAGTGGCTGAGGTGGGAGGGGTG-3'
Protein context (NP_065935.4, residues 226-246): ANPAMEAFGN[Ala236Thr]KTLRNDNSSR